The following is an entry in ClinVar:

NM_005506.4(SCARB2):c.901A>G (p.Ile301Val)

Gene: SCARB2 (scavenger receptor class B member 2; minus strand). Cytogenetic location: 4q21.1.
Variant type: single nucleotide variant.
Coding change: c.901A>G on transcript NM_005506.4 (MANE Select); coding-DNA position 901, A replaced by G.
Protein change: p.Ile301Val; replaces isoleucine 301 with valine.
Molecular consequence: missense variant.
Genome position (GRCh38, 1-based): chr4:76,174,237, T>C on the plus strand (A>G on the coding strand, the complement: SCARB2 is on the minus strand). VCF-style: chr4-76174237-T-C. GRCh37 (hg19) VCF-style: chr4-77095390-T-C.
Other names: c.472A>G, p.Ile158Val (NM_001204255.2); short protein forms I301V, I158V.
Identifiers: ClinVar variation 1464268 (VCV001464268.6), dbSNP rs2109941946, ClinGen allele CA357315854.

ClinVar aggregate classification (germline): Uncertain significance (1 of 4 stars; one submission).

Conditions:
Progressive myoclonic epilepsy. Also called: Myoclonus epilepsy; Familial progressive myoclonic epilepsy; Myoclonic Epilepsies, Progressive; Progressive myoclonus epilepsy. Identifiers: Orphanet 308, Orphanet 98261, MedGen C0751778, MONDO:0020074.

Submission:

Labcorp Genetics (formerly Invitae), Labcorp
Classification: Uncertain significance for Progressive myoclonic epilepsy. Last evaluated: 2022-02-10. Review status: criteria provided, single submitter. Criteria: Invitae Variant Classification Sherloc (09022015). Collection method: clinical testing. Allele origin: germline.
Comment: In summary, the available evidence is currently insufficient to determine the role of this variant in disease. Therefore, it has been classified as a Variant of Uncertain Significance. Algorithms developed to predict the effect of missense changes on protein structure and function output the following: SIFT: "Tolerated"; PolyPhen-2: "Benign"; Align-GVGD: "Class C0". The valine amino acid residue is found in multiple mammalian species, which suggests that this missense change does not adversely affect protein function. This variant has not been reported in the literature in individuals affected with SCARB2-related conditions. This variant is not present in population databases (gnomAD no frequency). This sequence change replaces isoleucine, which is neutral and non-polar, with valine, which is neutral and non-polar, at codon 301 of the SCARB2 protein (p.Ile301Val).